The following is an entry in ClinVar:

ClinVar aggregate classification (germline): Uncertain significance (1 of 4 stars; one submission).

Conditions:
Hereditary cancer-predisposing syndrome. Also called: Hereditary neoplastic syndrome; Neoplastic Syndromes, Hereditary; Tumor predisposition; Hereditary Cancer Syndrome. Identifiers: Orphanet 140162, MedGen C0027672, MeSH D009386, MONDO:0015356.

gnomAD v4.1: 3 of 1,614,092 alleles (0.00019%); highest among the groups gnomAD compares: Non-Finnish European, 0.00025%; no homozygotes.

Submission:

Ambry Genetics
Classification: Uncertain significance for Hereditary cancer-predisposing syndrome. Last evaluated: 2025-02-06. Review status: criteria provided, single submitter. Criteria: Ambry Variant Classification Scheme 2023. Collection method: clinical testing. Allele origin: germline.
Comment: The p.A532G variant (also known as c.1595C>G), located in coding exon 8 of the ALK gene, results from a C to G substitution at nucleotide position 1595. The alanine at codon 532 is replaced by glycine, an amino acid with similar properties. This amino acid position is conserved. In addition, this alteration is predicted to be tolerated by in silico analysis. Based on the available evidence, the clinical significance of this variant remains unclear.

NM_004304.5(ALK):c.1595C>G (p.Ala532Gly)

Gene: ALK (ALK receptor tyrosine kinase; minus strand). Cytogenetic location: 2p23.2.
Variant type: single nucleotide variant.
Coding change: c.1595C>G on transcript NM_004304.5 (MANE Select); coding-DNA position 1595, C replaced by G.
Protein change: p.Ala532Gly; replaces alanine 532 with glycine.
Molecular consequence: missense variant.
Genome position (GRCh38, 1-based): chr2:29,318,356, G>C on the plus strand (C>G on the coding strand, the complement: ALK is on the minus strand). VCF-style: chr2-29318356-G-C. GRCh37 (hg19) VCF-style: chr2-29541222-G-C.
Other names: short protein forms A532G.
Identifiers: ClinVar variation 3854397 (VCV003854397.1).